The following is an entry in ClinVar:

NM_003036.4(SKI):c.853A>T (p.Ile285Phe)

Gene: SKI (SKI proto-oncogene; plus strand). Cytogenetic location: 1p36.33.
Variant type: single nucleotide variant.
Coding change: c.853A>T on transcript NM_003036.4 (MANE Select); coding-DNA position 853, A replaced by T.
Protein change: p.Ile285Phe; replaces isoleucine 285 with phenylalanine.
Molecular consequence: missense variant.
Genome position (GRCh38, 1-based): chr1:2,229,619, A>T. VCF-style: chr1-2229619-A-T. GRCh37 (hg19) VCF-style: chr1-2161058-A-T.
Other names: short protein forms I285F.
Identifiers: ClinVar variation 1501544 (VCV001501544.6), dbSNP rs2100791027, ClinGen allele CA337956043.

ClinVar aggregate classification (germline): Uncertain significance (1 of 4 stars; one submission).

Conditions:
Shprintzen-Goldberg syndrome (SGS). Also called: Marfanoid disorder with craniosynostosis type 1; Marfanoid craniosynostosis syndrome; Shprintzen-Goldberg marfanoid syndrome; SHPRINTZEN-GOLDBERG CRANIOSYNOSTOSIS SYNDROME; CRANIOSYNOSTOSIS WITH ARACHNODACTYLY AND ABDOMINAL HERNIAS. Identifiers: Orphanet 2462, MedGen C1321551, MONDO:0008426, OMIM 182212.

Submission:

Labcorp Genetics (formerly Invitae), Labcorp
Classification: Uncertain significance for Shprintzen-Goldberg syndrome. Last evaluated: 2020-11-20. Review status: criteria provided, single submitter. Criteria: Invitae Variant Classification Sherloc (09022015). Collection method: clinical testing. Allele origin: germline.
Comment: In summary, the available evidence is currently insufficient to determine the role of this variant in disease. Therefore, it has been classified as a Variant of Uncertain Significance. Algorithms developed to predict the effect of missense changes on protein structure and function are either unavailable or do not agree on the potential impact of this missense change (SIFT: "Tolerated"; PolyPhen-2: "Probably Damaging"; Align-GVGD: "Class C0"). This variant has not been reported in the literature in individuals with SKI-related conditions. This variant is not present in population databases (ExAC no frequency). This sequence change replaces isoleucine with phenylalanine at codon 285 of the SKI protein (p.Ile285Phe). The isoleucine residue is moderately conserved and there is a small physicochemical difference between isoleucine and phenylalanine.